The following is an entry in ClinVar:

NM_002519.3(NPAT):c.3860T>G (p.Ile1287Ser)

Gene: NPAT (nuclear protein, coactivator of histone transcription; minus strand). Cytogenetic location: 11q22.3.
Variant type: single nucleotide variant.
Coding change: c.3860T>G on transcript NM_002519.3 (MANE Select); coding-DNA position 3860, T replaced by G.
Protein change: p.Ile1287Ser; replaces isoleucine 1287 with serine.
Molecular consequence: missense variant.
Genome position (GRCh38, 1-based): chr11:108,161,226, A>C on the plus strand (T>G on the coding strand, the complement: NPAT is on the minus strand). VCF-style: chr11-108161226-A-C. GRCh37 (hg19) VCF-style: chr11-108031953-A-C.
Other names: c.3881T>G, p.Ile1294Ser (NM_001321307.1); short protein forms I1287S, I1294S.
Identifiers: ClinVar variation 3407267 (VCV003407267.1).
Genomic context (GRCh38, chr11:108,161,226, plus strand): 5'-GGGACCATTACTTTTGATGTACTACTGTCTTCACTGAAACGCCTACTAGAGGGGGCCTTG[A>C]TAATATCTATAGGTTCTTCTTTATGTTTTTCCCCTGCCCCTGAGCCAGGTGTCCGGGGCA-3'
Protein context (NP_002510.2, residues 1277-1297): EKHKEEPIDI[Ile1287Ser]KAPSSRRFSE

ClinVar aggregate classification (germline): Uncertain significance (1 of 4 stars; one submission).

Submission:

Ambry Genetics
Classification: Uncertain significance. Last evaluated: 2024-11-04. Review status: criteria provided, single submitter. Criteria: Ambry Variant Classification Scheme 2023. Collection method: clinical testing. Allele origin: germline.
Comment: The p.I1287S variant (also known as c.3860T>G), located in coding exon 17 of the NPAT gene, results from a T to G substitution at nucleotide position 3860. The isoleucine at codon 1287 is replaced by serine, an amino acid with dissimilar properties. This amino acid position is conserved. In addition, this alteration is predicted to be tolerated by in silico analysis. Based on the available evidence, the clinical significance of this variant remains unclear.